The following is an entry in ClinVar:

ClinVar aggregate classification (germline): Likely benign. Review status: criteria provided, multiple submitters, no conflicts (2 of 4 stars). 2 submissions from 2 submitters: Likely benign (2). Last evaluated 2023-08-10.

Conditions:
Ehlers-Danlos syndrome, dermatosparaxis type. Also called: EDS VIIC; Dermatosparaxis; Ehlers-Danlos syndrome, type VII, autosomal recessive. Identifiers: Orphanet 1901, MedGen C2700425, MONDO:0009161, OMIM 225410.

Allele frequency attached by ClinVar (database versions not stated): gnomAD exomes below 0.00001 and 0.00002; gnomAD 0.00001 and 0.00002; TOPMed 0.00003.
gnomAD v4.1: 5 of 1,591,234 alleles (0.00031%); highest among the groups gnomAD compares: African/African-American, 0.004%; no homozygotes.

Submissions (2):

Labcorp Genetics (formerly Invitae), Labcorp
Classification: Likely benign for Ehlers-Danlos syndrome, dermatosparaxis type. Last evaluated: 2023-08-10. Review status: criteria provided, single submitter. Criteria: Invitae Variant Classification Sherloc (09022015). Collection method: clinical testing. Allele origin: germline.

GeneDx
Classification: Likely benign. Last evaluated: 2017-01-04. Review status: criteria provided, single submitter. Criteria: GeneDx Variant Classification (06012015). Collection method: clinical testing. Allele origin: germline. Affected: yes.
Comment: This variant is considered likely benign or benign based on one or more of the following criteria: it is a conservative change, it occurs at a poorly conserved position in the protein, it is predicted to be benign by multiple in silico algorithms, and/or has population frequency not consistent with disease.

NM_014244.5(ADAMTS2):c.1382+20C>A

Gene: ADAMTS2 (ADAM metallopeptidase with thrombospondin type 1 motif 2; minus strand). Cytogenetic location: 5q35.3.
Variant type: single nucleotide variant.
Coding change: c.1382+20C>A on transcript NM_014244.5 (MANE Select); 20 bases into the intron after coding-DNA position 1382, C replaced by A.
Molecular consequence: intron variant.
Genome position (GRCh38, 1-based): chr5:179,154,029, G>T on the plus strand (C>A on the coding strand, the complement: ADAMTS2 is on the minus strand). VCF-style: chr5-179154029-G-T. GRCh37 (hg19) VCF-style: chr5-178581030-G-T.
Other names: c.1382+20C>A (NM_021599.4).
Identifiers: ClinVar variation 392342 (VCV000392342.4), dbSNP rs1057524448, ClinGen allele CA16604778.